The following is an entry in ClinVar:

ClinVar aggregate classification (germline): Uncertain significance (1 of 4 stars; one submission).

Conditions:
Developmental and epileptic encephalopathy, 1 (DEE1). Also called: X-linked infantile spasms; West's syndrome; Tonic spasms with clustering, arrest of psychomotor development and hypsarrhythmia on EEG; X-Linked Infantile Spasm Syndrome; OHTAHARA SYNDROME, X-LINKED; Epileptic encephalopathy, early infantile, 1. Identifiers: MedGen C3463992, MONDO:0010632, OMIM 308350. Disease mechanism: loss of function.
Autosomal recessive spinocerebellar ataxia 12. Also called: SPINOCEREBELLAR ATAXIA WITH MENTAL RETARDATION AND EPILEPSY. Identifiers: Orphanet 284282, MedGen C3280452, MONDO:0013687, OMIM 614322.

Allele frequency attached by ClinVar (database versions not stated): gnomAD exomes 0.00001; ESP Exome Variant Server 0.00008; TOPMed below 0.00001; ExAC 0.00001.
gnomAD v4.1: 11 of 1,614,080 alleles (0.00068%); highest among the groups gnomAD compares: Admixed American, 0.0017%; no homozygotes.

Submission:

Labcorp Genetics (formerly Invitae), Labcorp
Classification: Uncertain significance for Developmental and epileptic encephalopathy, 1; Autosomal recessive spinocerebellar ataxia 12. Last evaluated: 2023-08-17. Review status: criteria provided, single submitter. Criteria: Invitae Variant Classification Sherloc (09022015). Collection method: clinical testing. Allele origin: germline.
Comment: In summary, the available evidence is currently insufficient to determine the role of this variant in disease. Therefore, it has been classified as a Variant of Uncertain Significance. Algorithms developed to predict the effect of missense changes on protein structure and function output the following: SIFT: "Not Available"; PolyPhen-2: "Benign"; Align-GVGD: "Not Available". The proline amino acid residue is found in multiple mammalian species, which suggests that this missense change does not adversely affect protein function. ClinVar contains an entry for this variant (Variation ID: 1422971). This variant has not been reported in the literature in individuals affected with WWOX-related conditions. This variant is present in population databases (rs368397011, gnomAD 0.003%). This sequence change replaces leucine, which is neutral and non-polar, with proline, which is neutral and non-polar, at codon 409 of the WWOX protein (p.Leu409Pro).

NM_016373.4(WWOX):c.1226T>C (p.Leu409Pro)

Genes: MAF (MAF bZIP transcription factor; minus strand), WWOX (WW domain containing oxidoreductase; plus strand). Cytogenetic location: 16q23.2.
Variant type: single nucleotide variant.
Coding change: c.1226T>C on transcript NM_016373.4 (MANE Select); coding-DNA position 1226, T replaced by C.
Protein change: p.Leu409Pro; replaces leucine 409 with proline.
Molecular consequence: missense variant.
Genome position (GRCh38, 1-based): chr16:79,211,777, T>C. VCF-style: chr16-79211777-T-C. GRCh37 (hg19) VCF-style: chr16-79245674-T-C.
Other names: c.887T>C, p.Leu296Pro (NM_001291997.2); short protein forms L409P, L296P.
Identifiers: ClinVar variation 1422971 (VCV001422971.6), dbSNP rs368397011, ClinGen allele CA8183801.